The following is an entry in ClinVar:

ClinVar aggregate classification (germline): Uncertain significance (1 of 4 stars; one submission).

Conditions:
Hereditary cancer-predisposing syndrome. Also called: Neoplastic Syndromes, Hereditary; Hereditary Cancer Syndrome; Hereditary neoplastic syndrome; Tumor predisposition. Identifiers: Orphanet 140162, MedGen C0027672, MeSH D009386, MONDO:0015356.

Submission:

Ambry Genetics
Classification: Uncertain significance for Hereditary cancer-predisposing syndrome. Last evaluated: 2023-04-27. Review status: criteria provided, single submitter. Criteria: Ambry Variant Classification Scheme 2023. Collection method: clinical testing. Allele origin: germline.
Comment: The p.A753P variant (also known as c.2257G>C), located in coding exon 20 of the TSC2 gene, results from a G to C substitution at nucleotide position 2257. The alanine at codon 753 is replaced by proline, an amino acid with highly similar properties. This amino acid position is conserved. In addition, the in silico prediction for this alteration is inconclusive. Since supporting evidence is limited at this time, the clinical significance of this alteration remains unclear.

NM_000548.5(TSC2):c.2257G>C (p.Ala753Pro)

Gene: TSC2 (TSC complex subunit 2; plus strand). Cytogenetic location: 16p13.3.
Variant type: single nucleotide variant.
Coding change: c.2257G>C on transcript NM_000548.5 (MANE Select); coding-DNA position 2257, G replaced by C.
Protein change: p.Ala753Pro; replaces alanine 753 with proline.
Molecular consequence: missense variant. On other transcripts: non-coding transcript variant (5).
Genome position (GRCh38, 1-based): chr16:2,072,885, G>C. VCF-style: chr16-2072885-G-C. GRCh37 (hg19) VCF-style: chr16-2122886-G-C.
Other names: c.2257G>C, p.Ala753Pro (NM_001077183.3, NM_001114382.3, NM_001363528.2 and 6 more transcripts); c.2146G>C, p.Ala716Pro (NM_001318827.2, NM_001406670.1, NM_001406678.1); c.2110G>C, p.Ala704Pro (NM_001318829.2, NM_001406675.1, NM_001406676.1 and 1 more transcripts); c.1657G>C, p.Ala553Pro (NM_001318831.2, NM_001406680.1, NM_001406682.1 and 6 more transcripts); c.2290G>C, p.Ala764Pro (NM_001318832.2); c.2347G>C, p.Ala783Pro (NM_001406667.1, NM_001406668.1); c.2245G>C, p.Ala749Pro (NM_001406671.1, NM_001406673.1); c.2200G>C, p.Ala734Pro (NM_001406677.1); and 3 more; short protein forms A704P, A734P, A305P, A749P, A553P, A219P, A599P, A716P.
Identifiers: ClinVar variation 2564672 (VCV002564672.2), dbSNP rs574205203, ClinGen allele CA394276380.